The following is an entry in ClinVar:

ClinVar aggregate classification (germline): Uncertain significance (1 of 4 stars; one submission).

Conditions:
Fanconi anemia (FA). Also called: Fanconi's anemia. Identifiers: Orphanet 84, MedGen C0015625, MeSH D005199, MONDO:0019391.

Allele frequency attached by ClinVar (database versions not stated): gnomAD exomes 0.00001; ExAC 0.00002.
gnomAD v4.1: 12 of 1,614,080 alleles (0.00074%); highest among the groups gnomAD compares: South Asian, 0.0099%; no homozygotes.

Submission:

Labcorp Genetics (formerly Invitae), Labcorp
Classification: Uncertain significance for Fanconi anemia. Last evaluated: 2023-02-11. Review status: criteria provided, single submitter. Criteria: Invitae Variant Classification Sherloc (09022015). Collection method: clinical testing. Allele origin: germline.
Comment: This sequence change replaces alanine, which is neutral and non-polar, with threonine, which is neutral and polar, at codon 941 of the SLX4 protein (p.Ala941Thr). This variant is present in population databases (rs746749087, gnomAD 0.006%). This variant has not been reported in the literature in individuals affected with SLX4-related conditions. Algorithms developed to predict the effect of missense changes on protein structure and function output the following: SIFT: "Tolerated"; PolyPhen-2: "Benign"; Align-GVGD: "Class C0". The threonine amino acid residue is found in multiple mammalian species, which suggests that this missense change does not adversely affect protein function. In summary, the available evidence is currently insufficient to determine the role of this variant in disease. Therefore, it has been classified as a Variant of Uncertain Significance.

NM_032444.4(SLX4):c.2821G>A (p.Ala941Thr)

Gene: SLX4 (SLX4 structure-specific endonuclease subunit; minus strand). Cytogenetic location: 16p13.3.
Variant type: single nucleotide variant.
Coding change: c.2821G>A on transcript NM_032444.4 (MANE Select); coding-DNA position 2821, G replaced by A.
Protein change: p.Ala941Thr; replaces alanine 941 with threonine.
Molecular consequence: missense variant.
Genome position (GRCh38, 1-based): chr16:3,590,817, C>T on the plus strand (G>A on the coding strand, the complement: SLX4 is on the minus strand). VCF-style: chr16-3590817-C-T. GRCh37 (hg19) VCF-style: chr16-3640818-C-T.
Other names: short protein forms A941T.
Identifiers: ClinVar variation 2758902 (VCV002758902.3), dbSNP rs746749087, ClinGen allele CA7866063.
Genomic context (GRCh38, chr16:3,590,817, plus strand): 5'-GGCTGGAGCAGCTGGAATGGCCAAGCGCCTCCTCTGGCGCCTCCTGCTCAGGGGCCTCTG[C>T]TCCCCGTGCCCCTGAGTGCTGGCCCTGGGGTGGCGGGAGAGCGCACTGTCCCATCTTCTC-3'
Protein context (NP_115820.2, residues 931-951): PQGQHSGARG[Ala941Thr]EAPEQEAPEE